The following is an entry in ClinVar:

ClinVar aggregate classification (germline): Conflicting classifications of pathogenicity. Review status: criteria provided, conflicting classifications (1 of 4 stars). 3 submissions from 3 submitters: Uncertain significance (2); Likely benign (1). Last evaluated 2025-06-28.

Conditions:
Renpenning syndrome. Also called: MENTAL RETARDATION, X-LINKED 55; MENTAL RETARDATION, X-LINKED, SYNDROMIC 8; Mental retardation, X-linked Renpenning type; X-linked mental retardation with spastic diplegia; X-linked mental retardation syndromic 3; Sutherland-Haan syndrome. Identifiers: Orphanet 3242, MedGen C0796135, MONDO:0010653, OMIM 309500.

Allele frequency attached by ClinVar (database versions not stated): TOPMed below 0.00001; gnomAD exomes 0.00002 and 0.00004; ExAC 0.00007.
gnomAD v4.1: 18 of 1,206,534 alleles (0.0015%); highest among the groups gnomAD compares: South Asian, 0.011%; no homozygotes.

Submissions (3):

Labcorp Genetics (formerly Invitae), Labcorp
Classification: Likely benign. Last evaluated: 2025-06-28. Review status: criteria provided, single submitter. Criteria: Invitae Variant Classification Sherloc (09022015). Collection method: clinical testing. Allele origin: germline.

GeneDx
Classification: Uncertain significance. Last evaluated: 2021-03-05. Review status: criteria provided, single submitter. Criteria: GeneDx Variant Classification Process June 2021. Collection method: clinical testing. Allele origin: germline. Affected: yes.
Comment: In silico analysis supports that this missense variant has a deleterious effect on protein structure/function; Has not been previously published as pathogenic or benign to our knowledge; This variant is associated with the following publications: (PMID: 25326635)

Baylor Genetics
Classification: Uncertain significance for Renpenning syndrome. Last evaluated: 2017-09-01. Review status: criteria provided, single submitter. Criteria: ACMG Guidelines, 2015. Collection method: clinical testing. Allele origin: maternal. Inheritance: X-linked inheritance. Affected: yes.

Literature cited by the submitters: PubMed 25326635 (cited by Baylor Genetics).

NM_001032382.2(PQBP1):c.541C>T (p.Arg181Trp)

Gene: PQBP1 (polyglutamine binding protein 1; plus strand). Cytogenetic location: Xp11.23.
Variant type: single nucleotide variant.
Coding change: c.541C>T on transcript NM_001032382.2 (MANE Select); coding-DNA position 541, C replaced by T.
Protein change: p.Arg181Trp; replaces arginine 181 with tryptophan.
Molecular consequence: missense variant. On other transcripts: intron variant (1).
Genome position (GRCh38, 1-based): chrX:48,902,481, C>T. VCF-style: chrX-48902481-C-T. GRCh37 (hg19) VCF-style: chrX-48759758-C-T.
Other names: c.541C>T, p.Arg181Trp (NM_001032381.2, NM_001032383.2, NM_001032384.1 and 2 more transcripts); c.517C>T, p.Arg173Trp (NM_001167990.2); c.241C>T, p.Arg81Trp (NM_001167992.1); c.293-251C>T (NM_144495.3); short protein forms R181W, R173W, R81W.
Identifiers: ClinVar variation 561092 (VCV000561092.8), dbSNP rs782792216, ClinGen allele CA10405936.
Genomic context (GRCh38, chrX:48,902,481, plus strand): 5'-CGGGACCGCGGGTATGACAAGGCAGACCGGGAAGAGGGCAAAGAACGGCGCCACCATCGC[C>T]GGGAGGAGCTGGCTCCCTATCCCAAGAGCAAGAAGGGTAAGCTGGGCAGAATGGGGCTCG-3'
Protein context (NP_001027554.1, residues 171-191): EEGKERRHHR[Arg181Trp]EELAPYPKSK